The following is an entry in ClinVar:

NM_000092.5(COL4A4):c.2969-21T>G

Gene: COL4A4 (collagen type IV alpha 4 chain; minus strand). Cytogenetic location: 2q36.3.
Variant type: single nucleotide variant.
Coding change: c.2969-21T>G on transcript NM_000092.5 (MANE Select); 21 bases into the intron before coding-DNA position 2969, T replaced by G.
Molecular consequence: intron variant.
Genome position (GRCh38, 1-based): chr2:227,051,179, A>C on the plus strand (T>G on the coding strand, the complement: COL4A4 is on the minus strand). VCF-style: chr2-227051179-A-C. GRCh37 (hg19) VCF-style: chr2-227915895-A-C.
Identifiers: ClinVar variation 4813559 (VCV004813559.1).
Genomic context (GRCh38, chr2:227,051,179, plus strand): 5'-TCTCCTCTTCTCCCTTGCATCCCGGGAGTTCCTTTATCACCTGATGAAGTTGGAAGTGTT[A>C]CAGGTCTCTGCTGAAATTTTGAGCTAGGTAATAGTTAAGCTGAGGGACCTGGTCCTACTT-3'

ClinVar aggregate classification (germline): Uncertain significance (1 of 4 stars; one submission).

Conditions:
Autosomal dominant Alport syndrome (ATS3A). Also called: ALPORT SYNDROME 3A, AUTOSOMAL DOMINANT; Alport syndrome dominant type; Renal failure and sensorineural hearing loss. Identifiers: Orphanet 63, Orphanet 88918, MedGen C5882663, MONDO:0007086, OMIM 104200.

gnomAD v4.1: 894 of 1,613,700 alleles (0.055%); highest among the groups gnomAD compares: Non-Finnish European, 0.074%; no homozygotes.

Submission:

Mendelics
Classification: Uncertain significance for Autosomal dominant Alport syndrome. Last evaluated: 2026-03-05. Review status: criteria provided, single submitter. Criteria: ACMG Guidelines, 2015. Collection method: clinical testing. Allele origin: unknown.
Comment: The available evidence is insufficient to conclusively determine the role of this variant. Therefore, it is classified as a Variant of Uncertain Significance.